The following is an entry in ClinVar:

NM_001376.5(DYNC1H1):c.12593C>A (p.Pro4198Gln)

Gene: DYNC1H1 (dynein cytoplasmic 1 heavy chain 1; plus strand). Cytogenetic location: 14q32.31.
Variant type: single nucleotide variant.
Coding change: c.12593C>A on transcript NM_001376.5 (MANE Select); coding-DNA position 12593, C replaced by A.
Protein change: p.Pro4198Gln; replaces proline 4198 with glutamine.
Molecular consequence: missense variant.
Genome position (GRCh38, 1-based): chr14:102,043,954, C>A. VCF-style: chr14-102043954-C-A. GRCh37 (hg19) VCF-style: chr14-102510291-C-A.
Other names: short protein forms P4198Q.
Identifiers: ClinVar variation 2580589 (VCV002580589.1), dbSNP rs2503865647, ClinGen allele CA391042288.

ClinVar aggregate classification (germline): Uncertain significance (1 of 4 stars; one submission).

Submission:

GeneDx
Classification: Uncertain significance. Last evaluated: 2023-03-24. Review status: criteria provided, single submitter. Criteria: GeneDx Variant Classification Process June 2021. Collection method: clinical testing. Allele origin: germline. Affected: yes.
Comment: Not observed at significant frequency in large population cohorts (gnomAD); In silico analysis supports that this missense variant has a deleterious effect on protein structure/function; Has not been previously published as pathogenic or benign to our knowledge; This variant is associated with the following publications: (PMID: 25512093, 25609763, 26100331)